The following is an entry in ClinVar:

NM_001267550.2(TTN):c.73232C>A (p.Ala24411Asp)

Genes: TTN (titin; minus strand), TTN-AS1 (TTN antisense RNA 1; plus strand). Cytogenetic location: 2q31.2.
Variant type: single nucleotide variant.
Coding change: c.73232C>A on transcript NM_001267550.2 (MANE Select); coding-DNA position 73232, C replaced by A.
Protein change: p.Ala24411Asp; replaces alanine 24411 with aspartic acid.
Molecular consequence: missense variant.
Genome position (GRCh38, 1-based): chr2:178,572,900, G>T on the plus strand (C>A on the coding strand, the complement: TTN is on the minus strand). VCF-style: chr2-178572900-G-T. GRCh37 (hg19) VCF-style: chr2-179437627-G-T.
Other names: c.68309C>A, p.Ala22770Asp (NM_001256850.1); c.46037C>A, p.Ala15346Asp (NM_003319.4); c.65528C>A, p.Ala21843Asp (NM_133378.4); c.46412C>A, p.Ala15471Asp (NM_133432.3); c.46613C>A, p.Ala15538Asp (NM_133437.4); c.73232C>A (NM_001267550.1); short protein forms A15346D, A15471D, A15538D, A21843D, A22770D, A24411D.
Identifiers: ClinVar variation 1174715 (VCV001174715.5), dbSNP rs55991022, ClinGen allele CA60999340.

ClinVar aggregate classification (germline): Uncertain significance. Review status: criteria provided, single submitter (1 of 4 stars). 3 submissions from 3 submitters: Uncertain significance (1). 2 of the submissions do not count toward it. Last evaluated 2023-02-22.

Allele frequency attached by ClinVar (database versions not stated): gnomAD exomes below 0.00001 and 0.00002; gnomAD 0.00001; 1000 Genomes Project 0.00020; 1000 Genomes Project 30x 0.00031.
gnomAD v4.1: 24 of 1,613,366 alleles (0.0015%); highest among the groups gnomAD compares: Non-Finnish European, 0.0019%; no homozygotes.

Submissions (3):

GeneDx
Classification: Uncertain significance. Last evaluated: 2023-02-22. Review status: criteria provided, single submitter. Criteria: GeneDx Variant Classification Process June 2021. Collection method: clinical testing. Allele origin: germline. Affected: yes.
Comment: Not observed at significant frequency in large population cohorts (gnomAD); Missense variant in a gene in which most reported pathogenic variants are truncating/loss of function; Has not been previously published as pathogenic or benign to our knowledge

Clinical Genetics DNA and cytogenetics Diagnostics Lab, Erasmus MC, Erasmus Medical Center
Classification: Uncertain significance. Review status: no assertion criteria provided. Collection method: clinical testing. Allele origin: germline. Affected: yes. Study: VKGL Data-share Consensus. Not counted in ClinVar's aggregate classification.

Diagnostic Laboratory, Department of Genetics, University Medical Center Groningen
Classification: Uncertain significance. Review status: no assertion criteria provided. Collection method: clinical testing. Allele origin: germline. Affected: yes. Study: VKGL Data-share Consensus. Not counted in ClinVar's aggregate classification.